The following is an entry in ClinVar:

ClinVar aggregate classification (germline): Uncertain significance. Review status: criteria provided, multiple submitters, no conflicts (2 of 4 stars). 2 submissions from 2 submitters: Uncertain significance (2). Last evaluated 2025-06-02.

Conditions:
Inborn genetic diseases. Identifiers: MedGen C0950123, MeSH D030342.

Allele frequency attached by ClinVar (database versions not stated): gnomAD 0.00007; TOPMed 0.00010; ExAC 0.00012; ESP Exome Variant Server 0.00015.
gnomAD v4.1: 77 of 1,527,116 alleles (0.005%); highest among the groups gnomAD compares: Admixed American, 0.019%; no homozygotes.

Submissions (2):

Labcorp Genetics (formerly Invitae), Labcorp
Classification: Uncertain significance. Last evaluated: 2025-06-02. Review status: criteria provided, single submitter. Criteria: Invitae Variant Classification Sherloc (09022015). Collection method: clinical testing. Allele origin: germline.
Comment: This sequence change replaces glycine with valine at codon 739 of the TOP3A protein (p.Gly739Val). The glycine residue is moderately conserved and there is a moderate physicochemical difference between glycine and valine. This variant is present in population databases (rs143020273, gnomAD 0.03%). This variant has not been reported in the literature in individuals affected with TOP3A-related conditions. ClinVar contains an entry for this variant (Variation ID: 2061420). An algorithm developed to predict the effect of missense changes on protein structure and function (PolyPhen-2) suggests that this variant is likely to be disruptive. In summary, the available evidence is currently insufficient to determine the role of this variant in disease. Therefore, it has been classified as a Variant of Uncertain Significance.

Ambry Genetics
Classification: Uncertain significance for Inborn genetic diseases. Last evaluated: 2025-04-20. Review status: criteria provided, single submitter. Criteria: Ambry Variant Classification Scheme 2023. Collection method: clinical testing. Allele origin: germline.

NM_004618.5(TOP3A):c.2216G>T (p.Gly739Val)

Gene: TOP3A (DNA topoisomerase III alpha; minus strand). Cytogenetic location: 17p11.2.
Variant type: single nucleotide variant.
Coding change: c.2216G>T on transcript NM_004618.5 (MANE Select); coding-DNA position 2216, G replaced by T.
Protein change: p.Gly739Val; replaces glycine 739 with valine.
Molecular consequence: missense variant.
Genome position (GRCh38, 1-based): chr17:18,278,286, C>A on the plus strand (G>T on the coding strand, the complement: TOP3A is on the minus strand). VCF-style: chr17-18278286-C-A. GRCh37 (hg19) VCF-style: chr17-18181600-C-A.
Other names: c.1931G>T, p.Gly644Val (NM_001320759.2); c.2216G>T (NM_004618.3); short protein forms G644V, G739V.
Identifiers: ClinVar variation 2061420 (VCV002061420.6), dbSNP rs143020273, ClinGen allele CA8429653.
Genomic context (GRCh38, chr17:18,278,286, plus strand): 5'-GCCCTGGGGGGGCCCCCTGAAAATCTCAGGTCCAGGATCTCCCTCAGGGTGTCGTCGCAT[C>A]CGCCGATGCAGCAAACAAACTCCAGAGGCATGGTCGGGGGAAGGCTACCGCGCTTAAACT-3'
Protein context (NP_004609.1, residues 729-749): MPLEFVCCIG[Gly739Val]CDDTLREILD